The following is an entry in ClinVar:

NM_001378120.1(MBD5):c.1628C>T (p.Thr543Ile)

Gene: MBD5 (methyl-CpG binding domain protein 5; plus strand). Cytogenetic location: 2q23.1.
Variant type: single nucleotide variant.
Coding change: c.1628C>T on transcript NM_001378120.1 (MANE Select); coding-DNA position 1628, C replaced by T.
Protein change: p.Thr543Ile; replaces threonine 543 with isoleucine.
Molecular consequence: missense variant.
Genome position (GRCh38, 1-based): chr2:148,469,571, C>T. VCF-style: chr2-148469571-C-T. GRCh37 (hg19) VCF-style: chr2-149227140-C-T.
Other names: c.1628C>T, p.Thr543Ile (NM_018328.5); short protein forms T543I.
Identifiers: ClinVar variation 2574750 (VCV002574750.4), dbSNP rs2469867473, ClinGen allele CA348720092.

ClinVar aggregate classification (germline): Likely pathogenic (1 of 4 stars; one submission).

Submission:

GeneDx
Classification: Likely pathogenic. Last evaluated: 2024-06-17. Review status: criteria provided, single submitter. Criteria: GeneDx Variant Classification Process June 2021. Collection method: clinical testing. Allele origin: germline. Affected: yes.
Comment: Not observed at significant frequency in large population cohorts (gnomAD); In silico analysis indicates that this missense variant does not alter protein structure/function; This variant is associated with the following publications: (PMID: 34489640)